The following is an entry in ClinVar:

NM_001003787.4(STRADA):c.1063T>C (p.Phe355Leu)

Gene: STRADA (STE20 related adaptor alpha; minus strand). Cytogenetic location: 17q23.3.
Variant type: single nucleotide variant.
Coding change: c.1063T>C on transcript NM_001003787.4 (MANE Select); coding-DNA position 1063, T replaced by C.
Protein change: p.Phe355Leu; replaces phenylalanine 355 with leucine.
Molecular consequence: missense variant. On other transcripts: non-coding transcript variant (1), intron variant (6).
Genome position (GRCh38, 1-based): chr17:63,704,378, A>G on the plus strand (T>C on the coding strand, the complement: STRADA is on the minus strand). VCF-style: chr17-63704378-A-G. GRCh37 (hg19) VCF-style: chr17-61781738-A-G.
Other names: c.952T>C, p.Phe318Leu (NM_001003786.3, NM_153335.6); c.889T>C, p.Phe297Leu (NM_001003788.3); c.1039T>C, p.Phe347Leu (NM_001363786.1); c.976T>C, p.Phe326Leu (NM_001363787.1); c.898+54T>C (NM_001363789.1); c.835+54T>C (NM_001363790.1, NM_001363791.1); c.922+54T>C (NM_001165969.2); c.877+54T>C (NM_001165970.2); and 1 more; short protein forms F297L, F318L, F326L, F347L, F355L.
Identifiers: ClinVar variation 949165 (VCV000949165.9), dbSNP rs2035928525, ClinGen allele CA400586883.

ClinVar aggregate classification (germline): Uncertain significance (1 of 4 stars; one submission).

Conditions:
Polyhydramnios, megalencephaly, and symptomatic epilepsy (PMSE). Also called: PMSE SYNDROME. Identifiers: Orphanet 500533, MedGen C1970203, MONDO:0012611, OMIM 611087.

Submission:

Labcorp Genetics (formerly Invitae), Labcorp
Classification: Uncertain significance for Polyhydramnios, megalencephaly, and symptomatic epilepsy. Last evaluated: 2025-10-02. Review status: criteria provided, single submitter. Criteria: Invitae Variant Classification Sherloc (09022015). Collection method: clinical testing. Allele origin: germline.
Comment: This sequence change replaces phenylalanine, which is neutral and non-polar, with leucine, which is neutral and non-polar, at codon 355 of the STRADA protein (p.Phe355Leu). This variant is not present in population databases (gnomAD no frequency). This variant has not been reported in the literature in individuals affected with STRADA-related conditions. ClinVar contains an entry for this variant (Variation ID: 949165). An algorithm developed to predict the effect of missense changes on protein structure and function (PolyPhen-2) suggests that this variant is likely to be tolerated. In summary, the available evidence is currently insufficient to determine the role of this variant in disease. Therefore, it has been classified as a Variant of Uncertain Significance.